The following is an entry in ClinVar:

NM_022336.4(EDAR):c.1293A>G (p.Ile431Met)

Genes: EDAR (ectodysplasin A receptor; minus strand), RANBP2 (RAN binding protein 2; plus strand). Cytogenetic location: 2q13.
Variant type: single nucleotide variant.
Coding change: c.1293A>G on transcript NM_022336.4 (MANE Select); coding-DNA position 1293, A replaced by G.
Protein change: p.Ile431Met; replaces isoleucine 431 with methionine.
Molecular consequence: missense variant.
Genome position (GRCh38, 1-based): chr2:108,896,961, T>C on the plus strand (A>G on the coding strand, the complement: EDAR is on the minus strand). VCF-style: chr2-108896961-T-C. GRCh37 (hg19) VCF-style: chr2-109513417-T-C.
Other names: short protein forms I431M.
Identifiers: ClinVar variation 1464912 (VCV001464912.6), dbSNP rs1696608635, ClinGen allele CA348047605.

ClinVar aggregate classification (germline): Likely pathogenic (1 of 4 stars; one submission).

Conditions:
Ectodermal dysplasia 10A, hypohidrotic/hair/nail type, autosomal dominant (ECTD10A). Also called: Ectodermal Dysplasia 3, Anhidrotic. Identifiers: Orphanet 1810, Orphanet 238468, MedGen C3888065, MONDO:0007509, OMIM 129490.
Autosomal recessive hypohidrotic ectodermal dysplasia syndrome. Also called: Autosomal recessive hypohidrotic ectodermal dysplasia. Identifiers: Orphanet 248, MedGen C0406702, MONDO:0016619.

Submission:

Labcorp Genetics (formerly Invitae), Labcorp
Classification: Likely pathogenic for Ectodermal dysplasia 10A, hypohidrotic/hair/nail type, autosomal dominant; Autosomal recessive hypohidrotic ectodermal dysplasia syndrome. Last evaluated: 2023-05-10. Review status: criteria provided, single submitter. Criteria: Invitae Variant Classification Sherloc (09022015). Collection method: clinical testing. Allele origin: germline.
Comment: This missense change has been observed in individual(s) with clinical features of autosomal recessive ectodermal dysplasia (Invitae). In summary, the currently available evidence indicates that the variant is pathogenic, but additional data are needed to prove that conclusively. Therefore, this variant has been classified as Likely Pathogenic. This variant disrupts the p.Ile431 amino acid residue in EDAR. Other variant(s) that disrupt this residue have been determined to be pathogenic (Invitae). This suggests that this residue is clinically significant, and that variants that disrupt this residue are likely to be disease-causing. Advanced modeling of protein sequence and biophysical properties (such as structural, functional, and spatial information, amino acid conservation, physicochemical variation, residue mobility, and thermodynamic stability) has been performed at Invitae for this missense variant, however the output from this modeling did not meet the statistical confidence thresholds required to predict the impact of this variant on EDAR protein function. ClinVar contains an entry for this variant (Variation ID: 1464912). This variant is not present in population databases (gnomAD no frequency). This sequence change replaces isoleucine, which is neutral and non-polar, with methionine, which is neutral and non-polar, at codon 431 of the EDAR protein (p.Ile431Met).